The following is an entry in ClinVar:

ClinVar aggregate classification (germline): Uncertain significance (1 of 4 stars; one submission).

Submission:

GeneDx
Classification: Uncertain significance. Last evaluated: 2026-03-29. Review status: criteria provided, single submitter. Criteria: GeneDx Variant Classification Process June 2021. Collection method: clinical testing. Allele origin: germline.
Comment: Not observed at significant frequency in large population cohorts (gnomAD); In silico analysis suggests that this missense variant does not alter protein structure/function; Has not been previously published as pathogenic or benign to our knowledge

NM_018136.5(ASPM):c.8504C>A (p.Thr2835Lys)

Gene: ASPM (assembly factor for spindle microtubules; minus strand). Cytogenetic location: 1q31.3.
Variant type: single nucleotide variant.
Coding change: c.8504C>A on transcript NM_018136.5 (MANE Select); coding-DNA position 8504, C replaced by A.
Protein change: p.Thr2835Lys; replaces threonine 2835 with lysine.
Molecular consequence: missense variant. On other transcripts: intron variant (1).
Genome position (GRCh38, 1-based): chr1:197,100,747, G>T on the plus strand (C>A on the coding strand, the complement: ASPM is on the minus strand). VCF-style: chr1-197100747-G-T. GRCh37 (hg19) VCF-style: chr1-197069877-G-T.
Other names: c.4066-4583C>A (NM_001206846.2); short protein forms T2835K.
Identifiers: ClinVar variation 5017222 (VCV005017222.1).
Genomic context (GRCh38, chr1:197,100,747, plus strand): 5'-CTTCTCCGATACACAGCCATCTGAAGGAAGAACTGAATCCGTAGGGCAGCACATTTCTGT[G>T]TTTCCAGTTTTCTTGTGACCATTCTACAAAAAGCTTTTTGAATTGTTACTGCAGCCCTAC-3'
Protein context (NP_060606.3, residues 2825-2845): FCRMVTRKLE[Thr2835Lys]QKCAALRIQF